The following is an entry in ClinVar:

ClinVar aggregate classification (germline): Uncertain significance. Review status: criteria provided, multiple submitters, no conflicts (2 of 4 stars). 3 submissions from 3 submitters: Uncertain significance (3). Last evaluated 2025-05-28.

Conditions:
Ethylmalonic encephalopathy (EE). Also called: EPEMA syndrome; Encephalopathy, petechiae, and ethylmalonic aciduria; Syndrome of encephalopathy, petechiae, and ethylmalonic aciduria. Identifiers: Orphanet 51188, MedGen C1865349, MONDO:0011229, OMIM 602473. Disease mechanism: loss of function.
Inborn genetic diseases. Identifiers: MedGen C0950123, MeSH D030342.

Allele frequency attached by ClinVar (database versions not stated): gnomAD 0.00003; TOPMed 0.00005; ExAC 0.00009; 1000 Genomes Project 30x 0.00016; 1000 Genomes Project 0.00020.
gnomAD v4.1: 119 of 1,613,940 alleles (0.0074%); highest among the groups gnomAD compares: Non-Finnish European, 0.009%; no homozygotes.

Submissions (3):

Ambry Genetics
Classification: Uncertain significance for Inborn genetic diseases. Last evaluated: 2025-05-28. Review status: criteria provided, single submitter. Criteria: Ambry Variant Classification Scheme 2023. Collection method: clinical testing. Allele origin: germline.

Blueprint Genetics
Classification: Uncertain significance. Last evaluated: 2024-11-22. Review status: criteria provided, single submitter. Criteria: ACMG Guidelines, 2015. Collection method: clinical testing. Allele origin: germline.

Labcorp Genetics (formerly Invitae), Labcorp
Classification: Uncertain significance for Ethylmalonic encephalopathy. Last evaluated: 2022-05-05. Review status: criteria provided, single submitter. Criteria: Invitae Variant Classification Sherloc (09022015). Collection method: clinical testing. Allele origin: germline.
Comment: This sequence change replaces proline, which is neutral and non-polar, with leucine, which is neutral and non-polar, at codon 232 of the ETHE1 protein (p.Pro232Leu). This variant is present in population databases (rs182058313, gnomAD 0.01%). This variant has not been reported in the literature in individuals affected with ETHE1-related conditions. Advanced modeling of protein sequence and biophysical properties (such as structural, functional, and spatial information, amino acid conservation, physicochemical variation, residue mobility, and thermodynamic stability) performed at Invitae indicates that this missense variant is expected to disrupt ETHE1 protein function. In summary, the available evidence is currently insufficient to determine the role of this variant in disease. Therefore, it has been classified as a Variant of Uncertain Significance.

NM_014297.5(ETHE1):c.695C>T (p.Pro232Leu)

Gene: ETHE1 (ETHE1 persulfide dioxygenase; minus strand). Cytogenetic location: 19q13.31.
Variant type: single nucleotide variant.
Coding change: c.695C>T on transcript NM_014297.5 (MANE Select); coding-DNA position 695, C replaced by T.
Protein change: p.Pro232Leu; replaces proline 232 with leucine.
Molecular consequence: missense variant.
Genome position (GRCh38, 1-based): chr19:43,507,961, G>A on the plus strand (C>T on the coding strand, the complement: ETHE1 is on the minus strand). VCF-style: chr19-43507961-G-A. GRCh37 (hg19) VCF-style: chr19-44012113-G-A.
Other names: c.662C>T, p.Pro221Leu (NM_001320867.2); c.326C>T, p.Pro109Leu (NM_001320868.2); c.401C>T, p.Pro134Leu (NM_001320869.2); c.695C>T (NM_014297.3); short protein forms P221L, P232L, P109L, P134L.
Identifiers: ClinVar variation 2052483 (VCV002052483.3), dbSNP rs182058313, ClinGen allele CA9487782.